The following is an entry in ClinVar:

NM_005902.4(SMAD3):c.872-2_881del

Gene: SMAD3 (SMAD family member 3; plus strand). Cytogenetic location: 15q22.33.
Variant type: Deletion.
Coding change: c.872-2_881del on transcript NM_005902.4 (MANE Select); the canonical splice acceptor site of the intron before coding-DNA position 872 through coding-DNA position 881, 12 bases deleted (AGGAAGAGGCGT).
Molecular consequence: splice acceptor variant.
Genome position (GRCh38, 1-based): chr15:67,184,725-67,184,736, AGGAAGAGGCGT deleted; deleting any 12 consecutive bases within chr15:67,184,723-67,184,736 gives the same sequence; the c. name uses the placement nearest the transcript's 3' end. VCF-style (leftmost placement, unchanged base first): chr15-67184722-TGTAGGAAGAGGC-T. GRCh37 (hg19) VCF-style: chr15-67477060-TGTAGGAAGAGGC-T.
Other names: c.557-2_566del (NM_001145102.2); c.740-2_749del (NM_001145103.2); c.287-2_296del (NM_001145104.2).
Identifiers: ClinVar variation 1764452 (VCV001764452.2), dbSNP rs2505299719, ClinGen allele CA2580089883.

ClinVar aggregate classification (germline): Likely pathogenic (1 of 4 stars; one submission).

Conditions:
Familial thoracic aortic aneurysm and aortic dissection (TAAD). Also called: Thoracic aortic aneurysms and dissections. Identifiers: Orphanet 91387, MedGen C4707243, MONDO:0019625.

Submission:

Ambry Genetics
Classification: Likely pathogenic for Familial thoracic aortic aneurysm and aortic dissection. Last evaluated: 2022-02-16. Review status: criteria provided, single submitter. Criteria: Ambry Variant Classification Scheme 2023. Collection method: clinical testing. Allele origin: germline.
Comment: The c.872-2_881del12 variant results from a deletion of 12 nucleotides between positions c.872-2 and c.881 and involves the canonical splice acceptor site before coding exon 7 of the SMAD3 gene. This variant is considered to be rare based on population cohorts in the Genome Aggregation Database (gnomAD). The canonical splice acceptor site is highly conserved in available vertebrate species. In silico splice site analysis predicts that this alteration will weaken the native splice acceptor site; however, the exact impact of this deletion on SMAD3 splicing and function is currently unknown. Alterations that disrupt the canonical splice site are expected to cause aberrant splicing, resulting in an abnormal protein or a transcript that is subject to nonsense-mediated mRNA decay. As such, this alteration is classified as likely pathogenic.